The following is an entry in ClinVar:

ClinVar aggregate classification (germline): Likely pathogenic (1 of 4 stars; one submission).

Conditions:
Hereditary diffuse gastric adenocarcinoma (HDGC). Also called: DIFFUSE GASTRIC AND LOBULAR BREAST CANCER SYNDROME. Identifiers: Orphanet 26106, MedGen C1708349, MONDO:0007648, OMIM 137215.

Submission:

Labcorp Genetics (formerly Invitae), Labcorp
Classification: Likely pathogenic for Hereditary diffuse gastric adenocarcinoma. Last evaluated: 2017-03-31. Review status: criteria provided, single submitter. Criteria: Invitae Variant Classification Sherloc (09022015). Collection method: clinical testing. Allele origin: germline.
Comment: This variant is a gross duplication of the genomic region encompassing exons 3-9 of the CDH1 gene. While the exact position of the duplicated exons cannot be determined from this data, the duplicated copy of this region is likely in tandem and may result in an absent or disrupted protein product. While duplications of exon 3-9 have not been reported in the literature, loss-of-function variants in CDH1 are known to be pathogenic (PMID: 15235021, 20373070). In summary, sub-genic duplications are generally in tandem (PMID: 25640679), and result in an absent or disrupted protein. However, the exact location of this duplication has not been confirmed. Therefore, it has been classified as Likely Pathogenic.

NC_000016.9:g.(?_68835567)_(68847404_?)dup

Gene: CDH1 (cadherin 1; plus strand). Cytogenetic location: 16q22.1.
Variant type: Duplication.
Identifiers: ClinVar variation 463687 (VCV000463687.1).